The following is an entry in ClinVar:

ClinVar aggregate classification (germline): Uncertain significance. Review status: criteria provided, multiple submitters, no conflicts (2 of 4 stars). 2 submissions from 2 submitters: Uncertain significance (2). Last evaluated 2024-08-17.

Conditions:
Hereditary cancer-predisposing syndrome. Also called: Neoplastic Syndromes, Hereditary; Hereditary Cancer Syndrome; Tumor predisposition; Hereditary neoplastic syndrome. Identifiers: Orphanet 140162, MedGen C0027672, MeSH D009386, MONDO:0015356.

Submissions (2):

Ambry Genetics
Classification: Uncertain significance for Hereditary cancer-predisposing syndrome. Last evaluated: 2024-08-17. Review status: criteria provided, single submitter. Criteria: Ambry Variant Classification Scheme 2023. Collection method: clinical testing. Allele origin: germline.
Comment: The p.E95G variant (also known as c.284A>G), located in coding exon 3 of the SMARCB1 gene, results from an A to G substitution at nucleotide position 284. The glutamic acid at codon 95 is replaced by glycine, an amino acid with similar properties. This amino acid position is conserved. In addition, this alteration is predicted to be deleterious by in silico analysis. Based on the available evidence, the clinical significance of this variant remains unclear.

Labcorp Genetics (formerly Invitae), Labcorp
Classification: Uncertain significance. Last evaluated: 2024-07-01. Review status: criteria provided, single submitter. Criteria: Invitae Variant Classification Sherloc (09022015). Collection method: clinical testing. Allele origin: germline.
Comment: This sequence change replaces glutamic acid, which is acidic and polar, with glycine, which is neutral and non-polar, at codon 95 of the SMARCB1 protein (p.Glu95Gly). This variant is not present in population databases (gnomAD no frequency). This variant has not been reported in the literature in individuals affected with SMARCB1-related conditions. ClinVar contains an entry for this variant (Variation ID: 582740). Advanced modeling of protein sequence and biophysical properties (such as structural, functional, and spatial information, amino acid conservation, physicochemical variation, residue mobility, and thermodynamic stability) performed at Invitae indicates that this missense variant is expected to disrupt SMARCB1 protein function with a positive predictive value of 80%. In summary, the available evidence is currently insufficient to determine the role of this variant in disease. Therefore, it has been classified as a Variant of Uncertain Significance.

NM_003073.5(SMARCB1):c.284A>G (p.Glu95Gly)

Gene: SMARCB1 (SWI/SNF related BAF chromatin remodeling complex subunit B1; plus strand). Cytogenetic location: 22q11.23.
Variant type: single nucleotide variant.
Coding change: c.284A>G on transcript NM_003073.5 (MANE Select); coding-DNA position 284, A replaced by G.
Protein change: p.Glu95Gly; replaces glutamic acid 95 with glycine.
Molecular consequence: missense variant.
Genome position (GRCh38, 1-based): chr22:23,793,610, A>G. VCF-style: chr22-23793610-A-G. GRCh37 (hg19) VCF-style: chr22-24135797-A-G.
Other names: c.284A>G (LRG_520t1); c.257A>G, p.Glu86Gly (NM_001007468.3, NM_001317946.2); c.284A>G, p.Glu95Gly (NM_001362877.2); short protein forms E95G, E86G.
Identifiers: ClinVar variation 582740 (VCV000582740.9), dbSNP rs1568937129, ClinGen allele CA410933750.